The following is an entry in ClinVar:

ClinVar aggregate classification (germline): Conflicting classifications of pathogenicity. Review status: criteria provided, conflicting classifications (1 of 4 stars). 2 submissions from 2 submitters: Likely pathogenic (1); Uncertain significance (1). Last evaluated 2025-02-03.

Conditions:
Autosomal recessive limb-girdle muscular dystrophy type 2B (LGMDR2). Also called: Limb-girdle muscular dystrophy, type 2B; Limb-Girdle Muscular Dystrophy Type 2B (LGMD2B); MUSCULAR DYSTROPHY, LIMB-GIRDLE, TYPE 3; MUSCULAR DYSTROPHY, LIMB-GIRDLE, AUTOSOMAL RECESSIVE 2. Identifiers: Orphanet 268, MedGen C1850889, MONDO:0009676, OMIM 253601.

gnomAD v4.1: 1 of 1,614,158 alleles (0.000062%); highest among the groups gnomAD compares: Non-Finnish European, 0.000085%; no homozygotes.

Submissions (2):

Concord Molecular Medicine Laboratory, Concord Repatriation General Hospital
Classification: Likely pathogenic for Autosomal recessive limb-girdle muscular dystrophy type 2B. Last evaluated: 2025-02-03. Review status: criteria provided, single submitter. Criteria: ACMG Guidelines, 2015. Collection method: clinical testing. Allele origin: germline. Inheritance: Autosomal recessive inheritance. Affected: yes. Observed: 1 compound heterozygote.
Comment: A muscle biopsy has confirmed dysferlinopathy. This variant is confirmed to be in trans to another known pathogenic variant in DYSF. This variant is found in extremely low frequency with a single heterozygote on gnomAD v4.1.0. In silico analysis suggests the variant to be damaging (REVEL 0.89). There is one report on ClinVar where this variant was also detected in compound heterozygous state with another pathogenic variant in a patient with LGMD phenotype.

Broad Center for Mendelian Genomics, Broad Institute of MIT and Harvard
Classification: Uncertain significance for Autosomal recessive limb-girdle muscular dystrophy type 2B. Last evaluated: 2018-12-03. Review status: criteria provided, single submitter. Criteria: ACMG Guidelines, 2015. Collection method: research. Allele origin: germline. Inheritance: Autosomal recessive inheritance. Affected: yes.
Comment: The presence of this variant in combination with a pathogenic variant and in an individual with LGMD increases the likelihood that the p.Cys539Arg variant is pathogenic. This variant was absent from large population studies. Computational prediction tools and conservation analyses suggest this variant may impact the protein, though this information is not predictive enough to determine pathogenicity. In summary, the clinical significance of the p.Cys539Arg variant is uncertain. ACMG/AMP Criteria applied: PM2, PM3, PP3 (Richards 2015).

NM_001130987.2(DYSF):c.1615T>C (p.Cys539Arg)

Gene: DYSF (dysferlin; plus strand). Cytogenetic location: 2p13.2.
Variant type: single nucleotide variant.
Coding change: c.1615T>C on transcript NM_001130987.2 (MANE Select); coding-DNA position 1615, T replaced by C.
Protein change: p.Cys539Arg; replaces cysteine 539 with arginine.
Molecular consequence: missense variant.
Genome position (GRCh38, 1-based): chr2:71,551,079, T>C. VCF-style: chr2-71551079-T-C. GRCh37 (hg19) VCF-style: chr2-71778209-T-C.
Other names: c.1564T>C, p.Cys522Arg (NM_001130455.2, NM_001130983.2); c.1519T>C, p.Cys507Arg (NM_001130976.2, NM_001130977.2); c.1561T>C, p.Cys521Arg (NM_001130978.2, NM_003494.4); c.1654T>C, p.Cys552Arg (NM_001130979.2); c.1612T>C, p.Cys538Arg (NM_001130980.2, NM_001130981.2); c.1657T>C, p.Cys553Arg (NM_001130982.2); c.1522T>C, p.Cys508Arg (NM_001130984.2, NM_001130986.2); c.1615T>C, p.Cys539Arg (NM_001130985.2); and 1 more; short protein forms C508R, C538R, C552R, C522R, C507R, C521R, C539R, C553R.
Identifiers: ClinVar variation 813959 (VCV000813959.4), dbSNP rs1573929182, ClinGen allele CA347217368.